The following is an entry in ClinVar:

NM_014956.5(CEP164):c.1991A>C (p.Glu664Ala)

Gene: CEP164 (centrosomal protein 164; plus strand). Cytogenetic location: 11q23.3.
Variant type: single nucleotide variant.
Coding change: c.1991A>C on transcript NM_014956.5 (MANE Select); coding-DNA position 1991, A replaced by C.
Protein change: p.Glu664Ala; replaces glutamic acid 664 with alanine.
Molecular consequence: missense variant.
Genome position (GRCh38, 1-based): chr11:117,390,833, A>C. VCF-style: chr11-117390833-A-C. GRCh37 (hg19) VCF-style: chr11-117261549-A-C.
Other names: c.2000A>C, p.Glu667Ala (NM_001271933.2); short protein forms E664A, E667A.
Identifiers: ClinVar variation 3030753 (VCV003030753.2), dbSNP rs150261648, ClinGen allele CA6294923.

ClinVar aggregate classification (germline): Uncertain significance (0 of 4 stars; one submission).

Conditions:
CEP164-related disorder. Also called: CEP164-related condition.

Allele frequency attached by ClinVar (database versions not stated): ExAC 0.00001; TOPMed 0.00001; ESP Exome Variant Server 0.00008.

Submission:

PreventionGenetics, part of Exact Sciences
Classification: Uncertain significance for CEP164-related condition. Last evaluated: 2023-10-26. Review status: no assertion criteria provided. Collection method: clinical testing. Allele origin: germline.
Comment: The CEP164 c.1991A>C variant is predicted to result in the amino acid substitution p.Glu664Ala. To our knowledge, this variant has not been reported in the literature. This variant is reported in 0.0062% of alleles in individuals of African descent in gnomAD. At this time, the clinical significance of this variant is uncertain due to the absence of conclusive functional and genetic evidence.